The following is an entry in ClinVar:

NM_000238.4(KCNH2):c.990T>C (p.Ile330=)

Gene: KCNH2 (potassium voltage-gated channel subfamily H member 2; minus strand). Cytogenetic location: 7q36.1.
Variant type: single nucleotide variant.
Coding change: c.990T>C on transcript NM_000238.4 (MANE Select); coding-DNA position 990, T replaced by C.
Protein change: p.Ile330=; no amino-acid change (isoleucine 330 retained).
Molecular consequence: synonymous variant. On other transcripts: non-coding transcript variant (1).
Genome position (GRCh38, 1-based): chr7:150,957,429, A>G on the plus strand (T>C on the coding strand, the complement: KCNH2 is on the minus strand). VCF-style: chr7-150957429-A-G. GRCh37 (hg19) VCF-style: chr7-150654517-A-G.
Other names: c.702T>C, p.Ile234= (NM_001406753.1, NM_001406756.1); c.813T>C, p.Ile271= (NM_001406755.1); c.690T>C, p.Ile230= (NM_001406757.1); c.990T>C, p.Ile330= (NM_172056.3).
Identifiers: ClinVar variation 660708 (VCV000660708.16), dbSNP rs748711437, ClinGen allele CA041423.
Genomic context (GRCh38, chr7:150,957,429, plus strand): 5'-AGCCAAGAAGGGGTCGCCCTTGAGGTCCACAAAGTTGAGGGTGATTTGGGGAATCTTGCT[A>G]ATGGTGCGGTAGCGCACGAGGTCGGAGTCCGAGGTGGAGTTGAGCAAGCCGCTGCGCAGT-3'
Protein context (NP_000229.1, residues 320-340): SDSDLVRYRT[Ile330=]SKIPQITLNF

ClinVar aggregate classification (germline): Likely benign. Review status: criteria provided, multiple submitters, no conflicts (2 of 4 stars). 5 submissions from 5 submitters: Likely benign (5). Last evaluated 2024-06-08.

Conditions:
Long QT syndrome (LQTS). Identifiers: MedGen C0023976, MeSH D008133, MONDO:0002442. Disease mechanism: loss of function. Inheritance: Various modes of inheritance.
Cardiovascular phenotype. Identifiers: MedGen CN230736.
Cardiac arrhythmia. Also called: Arrhythmia; Cardiac rhythm disease. Identifiers: MedGen C0003811, MONDO:0007263, HP:0011675.

Allele frequency attached by ClinVar (database versions not stated): gnomAD 0.00001; gnomAD exomes 0.00001; ExAC 0.00002; TOPMed 0.00002.
gnomAD v4.1: 8 of 1,614,092 alleles (0.0005%); highest among the groups gnomAD compares: Non-Finnish European, 0.00059%; no homozygotes.

Submissions (5):

Labcorp Genetics (formerly Invitae), Labcorp
Classification: Likely benign for Long QT syndrome. Last evaluated: 2024-06-08. Review status: criteria provided, single submitter. Criteria: Invitae Variant Classification Sherloc (09022015). Collection method: clinical testing. Allele origin: germline.

All of Us Research Program, National Institutes of Health
Classification: Likely benign for Long QT syndrome. Last evaluated: 2023-12-13. Review status: criteria provided, single submitter. Criteria: ACMG Guidelines, 2015. Collection method: clinical testing. Allele origin: germline. Inheritance: Autosomal dominant inheritance. Observed: 2 variant alleles, 2 heterozygotes.
Comment: This study involves interpretation of variants in research participants for the purpose of population health screening. Participant phenotype was not available at the time of variant classification. Additional details can be found in publication PMID: 35346344, PMCID: PMC8962531

Ambry Genetics
Classification: Likely benign for Cardiovascular phenotype. Last evaluated: 2022-05-30. Review status: criteria provided, single submitter. Criteria: Ambry Variant Classification Scheme 2023. Collection method: clinical testing. Allele origin: germline.

Blueprint Genetics
Classification: Likely benign. Last evaluated: 2021-01-05. Review status: criteria provided, single submitter. Criteria: ACMG Guidelines, 2015. Collection method: clinical testing. Allele origin: germline.

Color Diagnostics, LLC DBA Color Health
Classification: Likely benign for Arrhythmia. Last evaluated: 2019-12-16. Review status: criteria provided, single submitter. Criteria: ACMG Guidelines, 2015. Collection method: clinical testing. Allele origin: germline.